The following is an entry in ClinVar:

NM_005918.4(MDH2):c.866C>G (p.Ser289Cys)

Gene: MDH2 (malate dehydrogenase 2; plus strand). Cytogenetic location: 7q11.23.
Variant type: single nucleotide variant.
Coding change: c.866C>G on transcript NM_005918.4 (MANE Select); coding-DNA position 866, C replaced by G.
Protein change: p.Ser289Cys; replaces serine 289 with cysteine.
Molecular consequence: missense variant.
Genome position (GRCh38, 1-based): chr7:76,064,934, C>G. VCF-style: chr7-76064934-C-G. GRCh37 (hg19) VCF-style: chr7-75694252-C-G.
Other names: c.740C>G, p.Ser247Cys (NM_001282403.2); c.545C>G, p.Ser182Cys (NM_001282404.2); c.866C>G (NM_005918.2); short protein forms S182C, S247C, S289C.
Identifiers: ClinVar variation 1398373 (VCV001398373.5), dbSNP rs142336603, ClinGen allele CA4305731.
Genomic context (GRCh38, chr7:76,064,934, plus strand): 5'-AGGAAGGTGTTGTGGAATGTTCCTTCGTTAAGTCACAGGAAACGGAATGTACCTACTTCT[C>G]CACACCGCTGCTGCTTGGGGTACGTATCCAGGCGTGGGTCCTTCTGACTGTGGAATAAGG-3'
Protein context (NP_005909.2, residues 279-299): KSQETECTYF[Ser289Cys]TPLLLGKKGI

ClinVar aggregate classification (germline): Uncertain significance. Review status: criteria provided, multiple submitters, no conflicts (2 of 4 stars). 2 submissions from 2 submitters: Uncertain significance (2). Last evaluated 2024-09-04.

Conditions:
Inborn genetic diseases. Identifiers: MedGen C0950123, MeSH D030342.

Allele frequency attached by ClinVar (database versions not stated): gnomAD exomes 0.00002 and 0.00007; ExAC 0.00007; 1000 Genomes Project 30x 0.00016; 1000 Genomes Project 0.00020; gnomAD 0.00023 and 0.00026; TOPMed 0.00025; ESP Exome Variant Server 0.00031.
gnomAD v4.1: 72 of 1,614,132 alleles (0.0045%); highest among the groups gnomAD compares: African/African-American, 0.091%; no homozygotes.

Submissions (2):

Ambry Genetics
Classification: Uncertain significance for Inborn genetic diseases. Last evaluated: 2024-09-04. Review status: criteria provided, single submitter. Criteria: Ambry Variant Classification Scheme 2023. Collection method: clinical testing. Allele origin: germline.

Labcorp Genetics (formerly Invitae), Labcorp
Classification: Uncertain significance. Last evaluated: 2022-03-27. Review status: criteria provided, single submitter. Criteria: Invitae Variant Classification Sherloc (09022015). Collection method: clinical testing. Allele origin: germline.
Comment: This sequence change replaces serine, which is neutral and polar, with cysteine, which is neutral and slightly polar, at codon 289 of the MDH2 protein (p.Ser289Cys). This variant is present in population databases (rs142336603, gnomAD 0.1%). This variant has not been reported in the literature in individuals affected with MDH2-related conditions. Algorithms developed to predict the effect of missense changes on protein structure and function (SIFT, PolyPhen-2, Align-GVGD) all suggest that this variant is likely to be disruptive. In summary, the available evidence is currently insufficient to determine the role of this variant in disease. Therefore, it has been classified as a Variant of Uncertain Significance.